The following is an entry in ClinVar:

NM_206933.4(USH2A):c.11203A>T (p.Thr3735Ser)

Gene: USH2A (usherin; minus strand). Cytogenetic location: 1q41.
Variant type: single nucleotide variant.
Coding change: c.11203A>T on transcript NM_206933.4 (MANE Select); coding-DNA position 11203, A replaced by T.
Protein change: p.Thr3735Ser; replaces threonine 3735 with serine.
Molecular consequence: missense variant.
Genome position (GRCh38, 1-based): chr1:215,759,688, T>A on the plus strand (A>T on the coding strand, the complement: USH2A is on the minus strand). VCF-style: chr1-215759688-T-A. GRCh37 (hg19) VCF-style: chr1-215933030-T-A.
Other names: c.11203A>T (NM_206933.2); short protein forms T3735S.
Identifiers: ClinVar variation 2167366 (VCV002167366.4), dbSNP rs1314121764, ClinGen allele CA344822521.

ClinVar aggregate classification (germline): Uncertain significance. Review status: criteria provided, multiple submitters, no conflicts (2 of 4 stars). 5 submissions from 4 submitters: Uncertain significance (5). Last evaluated 2025-10-29.

Conditions:
Retinitis pigmentosa 39 (RP39). Identifiers: Orphanet 791, MedGen C3151138, MONDO:0013436, OMIM 613809.
Usher syndrome type 2A. Also called: RETINAL DISEASE IN USHER SYNDROME TYPE IIA, MODIFIER OF; USHER SYNDROME, TYPE IIA. Identifiers: Orphanet 231178, Orphanet 886, MedGen C1848634, MONDO:0010169, OMIM 276901.
Inborn genetic diseases. Identifiers: MedGen C0950123, MeSH D030342.

Allele frequency attached by ClinVar (database versions not stated): gnomAD 0.00001.
gnomAD v4.1: 6 of 1,613,904 alleles (0.00037%); highest among the groups gnomAD compares: Admixed American, 0.0083%; no homozygotes.

Submissions (5):

Ambry Genetics
Classification: Uncertain significance for Inborn genetic diseases. Last evaluated: 2025-10-29. Review status: criteria provided, single submitter. Criteria: Ambry Variant Classification Scheme 2023. Collection method: clinical testing. Allele origin: germline.

Genome-Nilou Lab
Classification: Uncertain significance for Retinitis pigmentosa 39. Last evaluated: 2023-11-04. Review status: criteria provided, single submitter. Criteria: ACMG Guidelines, 2015. Collection method: clinical testing. Allele origin: germline. Affected: no.

Genome-Nilou Lab
Classification: Uncertain significance for Usher syndrome type 2A. Last evaluated: 2023-11-04. Review status: criteria provided, single submitter. Criteria: ACMG Guidelines, 2015. Collection method: clinical testing. Allele origin: germline. Affected: no.

GeneDx
Classification: Uncertain significance. Last evaluated: 2022-12-27. Review status: criteria provided, single submitter. Criteria: GeneDx Variant Classification Process June 2021. Collection method: clinical testing. Allele origin: germline. Affected: yes.
Comment: Not observed at significant frequency in large population cohorts (gnomAD); In silico analysis supports that this missense variant does not alter protein structure/function; Has not been previously published as pathogenic or benign to our knowledge

Labcorp Genetics (formerly Invitae), Labcorp
Classification: Uncertain significance. Last evaluated: 2022-06-15. Review status: criteria provided, single submitter. Criteria: Invitae Variant Classification Sherloc (09022015). Collection method: clinical testing. Allele origin: germline.
Comment: This sequence change replaces threonine, which is neutral and polar, with serine, which is neutral and polar, at codon 3735 of the USH2A protein (p.Thr3735Ser). This variant is not present in population databases (gnomAD no frequency). This variant has not been reported in the literature in individuals affected with USH2A-related conditions. Algorithms developed to predict the effect of missense changes on protein structure and function (SIFT, PolyPhen-2, Align-GVGD) all suggest that this variant is likely to be disruptive. In summary, the available evidence is currently insufficient to determine the role of this variant in disease. Therefore, it has been classified as a Variant of Uncertain Significance.